The following is an entry in ClinVar:

ClinVar aggregate classification (germline): Uncertain significance (1 of 4 stars; one submission).

Conditions:
Colorectal cancer, hereditary nonpolyposis, type 7. Identifiers: Orphanet 144, MedGen C1858380, MONDO:0013725, OMIM 614385.

Allele frequency attached by ClinVar (database versions not stated): gnomAD exomes below 0.00001.
gnomAD v4.1: 2 of 1,572,822 alleles (0.00013%); highest among the groups gnomAD compares: Non-Finnish European, 0.000087%; no homozygotes.

Submission:

Labcorp Genetics (formerly Invitae), Labcorp
Classification: Uncertain significance for Colorectal cancer, hereditary nonpolyposis, type 7. Last evaluated: 2024-05-08. Review status: criteria provided, single submitter. Criteria: Invitae Variant Classification Sherloc (09022015). Collection method: clinical testing. Allele origin: germline.
Comment: This sequence change replaces valine, which is neutral and non-polar, with isoleucine, which is neutral and non-polar, at codon 1160 of the MLH3 protein (p.Val1160Ile). This variant is not present in population databases (gnomAD no frequency). This variant has not been reported in the literature in individuals affected with MLH3-related conditions. ClinVar contains an entry for this variant (Variation ID: 2114480). An algorithm developed to predict the effect of missense changes on protein structure and function (PolyPhen-2) suggests that this variant is likely to be disruptive. In summary, the available evidence is currently insufficient to determine the role of this variant in disease. Therefore, it has been classified as a Variant of Uncertain Significance.

NM_001040108.2(MLH3):c.3478G>A (p.Val1160Ile)

Gene: MLH3 (mutL homolog 3; minus strand). Cytogenetic location: 14q24.3.
Variant type: single nucleotide variant.
Coding change: c.3478G>A on transcript NM_001040108.2 (MANE Select); coding-DNA position 3478, G replaced by A.
Protein change: p.Val1160Ile; replaces valine 1160 with isoleucine.
Molecular consequence: missense variant.
Genome position (GRCh38, 1-based): chr14:75,040,003, C>T on the plus strand (G>A on the coding strand, the complement: MLH3 is on the minus strand). VCF-style: chr14-75040003-C-T. GRCh37 (hg19) VCF-style: chr14-75506706-C-T.
Other names: c.3478G>A, p.Val1160Ile (NM_014381.3); short protein forms V1160I.
Identifiers: ClinVar variation 2114480 (VCV002114480.4), dbSNP rs2503196449, ClinGen allele CA390429091.